The following is an entry in ClinVar:

ClinVar aggregate classification (germline): Uncertain significance (1 of 4 stars; one submission).

Allele frequency attached by ClinVar (database versions not stated): TOPMed below 0.00001.
gnomAD v4.1: 1 of 1,571,308 alleles (0.000064%); highest among the groups gnomAD compares: Non-Finnish European, 0.000086%; no homozygotes.

Submission:

Labcorp Genetics (formerly Invitae), Labcorp
Classification: Uncertain significance. Last evaluated: 2022-06-05. Review status: criteria provided, single submitter. Criteria: Invitae Variant Classification Sherloc (09022015). Collection method: clinical testing. Allele origin: germline.
Comment: This sequence change replaces threonine, which is neutral and polar, with serine, which is neutral and polar, at codon 19 of the CWC27 protein (p.Thr19Ser). This variant is not present in population databases (gnomAD no frequency). This variant has not been reported in the literature in individuals affected with CWC27-related conditions. Algorithms developed to predict the effect of missense changes on protein structure and function (SIFT, PolyPhen-2, Align-GVGD) all suggest that this variant is likely to be disruptive. In summary, the available evidence is currently insufficient to determine the role of this variant in disease. Therefore, it has been classified as a Variant of Uncertain Significance.

NM_005869.4(CWC27):c.56C>G (p.Thr19Ser)

Gene: CWC27 (CWC27 spliceosome associated cyclophilin; plus strand). Cytogenetic location: 5q12.3.
Variant type: single nucleotide variant.
Coding change: c.56C>G on transcript NM_005869.4 (MANE Select); coding-DNA position 56, C replaced by G.
Protein change: p.Thr19Ser; replaces threonine 19 with serine.
Molecular consequence: missense variant.
Genome position (GRCh38, 1-based): chr5:64,774,704, C>G. VCF-style: chr5-64774704-C-G. GRCh37 (hg19) VCF-style: chr5-64070531-C-G.
Other names: c.56C>G, p.Thr19Ser (NM_001297644.1, NM_001297645.2, NM_001318000.2 and 1 more transcripts); short protein forms T19S.
Identifiers: ClinVar variation 2150347 (VCV002150347.1), dbSNP rs1743379463, ClinGen allele CA359839070.